The following is an entry in ClinVar:

NM_025132.4(WDR19):c.925A>G (p.Met309Val)

Gene: WDR19 (WD repeat domain 19; plus strand). Cytogenetic location: 4p14.
Variant type: single nucleotide variant.
Coding change: c.925A>G on transcript NM_025132.4 (MANE Select); coding-DNA position 925, A replaced by G.
Protein change: p.Met309Val; replaces methionine 309 with valine.
Molecular consequence: missense variant.
Genome position (GRCh38, 1-based): chr4:39,214,635, A>G. VCF-style: chr4-39214635-A-G. GRCh37 (hg19) VCF-style: chr4-39216255-A-G.
Other names: c.445A>G, p.Met149Val (NM_001317924.2); short protein forms M149V, M309V.
Identifiers: ClinVar variation 2013089 (VCV002013089.4), dbSNP rs2475121605, ClinGen allele CA356636168.

ClinVar aggregate classification (germline): Uncertain significance (1 of 4 stars; one submission).

Conditions:
Asphyxiating thoracic dystrophy 5 (SRTD5). Also called: SHORT-RIB THORACIC DYSPLASIA 5 WITH OR WITHOUT POLYDACTYLY; SHORT-RIB THORACIC DYSPLASIA 5 WITHOUT POLYDACTYLY. Identifiers: Orphanet 474, MedGen C3280598, MONDO:0013717, OMIM 614376.
Senior-Loken syndrome 8 (SLSN8). Identifiers: Orphanet 3156, MedGen C4225376, MONDO:0014579, OMIM 616307.

Submission:

Labcorp Genetics (formerly Invitae), Labcorp
Classification: Uncertain significance for Senior-Loken syndrome 8; Asphyxiating thoracic dystrophy 5. Last evaluated: 2022-09-21. Review status: criteria provided, single submitter. Criteria: Invitae Variant Classification Sherloc (09022015). Collection method: clinical testing. Allele origin: germline.
Comment: In summary, the available evidence is currently insufficient to determine the role of this variant in disease. Therefore, it has been classified as a Variant of Uncertain Significance. Algorithms developed to predict the effect of missense changes on protein structure and function (SIFT, PolyPhen-2, Align-GVGD) all suggest that this variant is likely to be tolerated. This variant has not been reported in the literature in individuals affected with WDR19-related conditions. This variant is not present in population databases (gnomAD no frequency). This sequence change replaces methionine, which is neutral and non-polar, with valine, which is neutral and non-polar, at codon 309 of the WDR19 protein (p.Met309Val).